The following is an entry in ClinVar:

NM_000059.4(BRCA2):c.4399del (p.His1467fs)

Gene: BRCA2 (BRCA2 DNA repair associated; plus strand). Cytogenetic location: 13q13.1.
Variant type: Deletion.
Coding change: c.4399del on transcript NM_000059.4 (MANE Select); coding-DNA position 4399, one base deleted (C; older notation c.4399delC).
Protein change: p.His1467fs; shifts the reading frame from histidine 1467.
Molecular consequence: frameshift variant.
Genome position (GRCh38, 1-based): chr13:32,338,754, C deleted. VCF-style (leftmost placement, unchanged base first): chr13-32338753-AC-A. GRCh37 (hg19) VCF-style: chr13-32912890-AC-A.
Other names: c.4399delC, p.His1467Ilefs (NM_001406719.1, NM_001406720.1); short protein forms H1467fs.
Identifiers: ClinVar variation 2045001 (VCV002045001.4), dbSNP rs2548528280, ClinGen allele CA2580087282.

ClinVar aggregate classification (germline): Pathogenic (1 of 4 stars; one submission).

Conditions:
Hereditary breast ovarian cancer syndrome. Also called: Hereditary breast and ovarian cancer syndrome; Hereditary breast and/or ovarian cancer syndrome; BRCA1- and BRCA2-Associated Hereditary Breast and Ovarian Cancer; Hereditary breast and ovarian cancer syndrome (HBOC); Hereditary breast and ovarian cancer; Breast and ovarian cancer. Identifiers: Orphanet 145, MedGen C0677776, MeSH D061325, MONDO:0003582. Disease mechanism: loss of function.

Submission:

Labcorp Genetics (formerly Invitae), Labcorp
Classification: Pathogenic for Hereditary breast ovarian cancer syndrome. Last evaluated: 2021-12-17. Review status: criteria provided, single submitter. Criteria: Invitae Variant Classification Sherloc (09022015). Collection method: clinical testing. Allele origin: germline.
Comment: For these reasons, this variant has been classified as Pathogenic. This variant has not been reported in the literature in individuals affected with BRCA2-related conditions. This variant is not present in population databases (gnomAD no frequency). This sequence change creates a premature translational stop signal (p.His1467Ilefs*4) in the BRCA2 gene. It is expected to result in an absent or disrupted protein product. Loss-of-function variants in BRCA2 are known to be pathogenic (PMID: 20104584).

Literature cited by the submitters: PubMed 20104584.